The following is an entry in ClinVar:

NM_000702.4(ATP1A2):c.1216+1G>A

Gene: ATP1A2 (ATPase Na+/K+ transporting subunit alpha 2; plus strand). Cytogenetic location: 1q23.2.
Variant type: single nucleotide variant.
Coding change: c.1216+1G>A on transcript NM_000702.4 (MANE Select); the canonical splice donor site of the intron after coding-DNA position 1216, G replaced by A.
Molecular consequence: splice donor variant.
Genome position (GRCh38, 1-based): chr1:160,128,851, G>A. VCF-style: chr1-160128851-G-A. GRCh37 (hg19) VCF-style: chr1-160098641-G-A.
Identifiers: ClinVar variation 2631443 (VCV002631443.2), dbSNP rs2524868404, ClinGen allele CA343239958.

ClinVar aggregate classification (germline): Likely pathogenic (0 of 4 stars; one submission).

Conditions:
ATP1A2-related disorder. Also called: ATP1A2-RELATED DISORDERS; ATP1A2-related condition.

Submission:

PreventionGenetics, part of Exact Sciences
Classification: Likely pathogenic for ATP1A2-related condition. Last evaluated: 2024-08-24. Review status: no assertion criteria provided. Collection method: clinical testing. Allele origin: germline.
Comment: The ATP1A2 c.1216+1G>A variant is predicted to disrupt the GT donor site and interfere with normal splicing. To our knowledge, this variant has not been reported in the literature or in a large population database, indicating this variant is rare. Variants that disrupt the consensus splice donor site in ATP1A2 are expected to be pathogenic. This variant is interpreted as likely pathogenic.